The following is an entry in ClinVar:

ClinVar aggregate classification (germline): Uncertain significance (1 of 4 stars; one submission).

gnomAD v4.1: 1 of 1,614,014 alleles (0.000062%); highest among the groups gnomAD compares: Non-Finnish European, 0.000085%; no homozygotes.

Submission:

Labcorp Genetics (formerly Invitae), Labcorp
Classification: Uncertain significance. Last evaluated: 2024-03-20. Review status: criteria provided, single submitter. Criteria: Invitae Variant Classification Sherloc (09022015). Collection method: clinical testing. Allele origin: germline.
Comment: This sequence change replaces glycine, which is neutral and non-polar, with serine, which is neutral and polar, at codon 189 of the IL23R protein (p.Gly189Ser). This variant is not present in population databases (gnomAD no frequency). This variant has not been reported in the literature in individuals affected with IL23R-related conditions. Algorithms developed to predict the effect of missense changes on protein structure and function output the following: SIFT: "Not Available"; PolyPhen-2: "Probably Damaging"; Align-GVGD: "Not Available". The serine amino acid residue is found in multiple mammalian species, which suggests that this missense change does not adversely affect protein function. In summary, the available evidence is currently insufficient to determine the role of this variant in disease. Therefore, it has been classified as a Variant of Uncertain Significance.

NM_144701.3(IL23R):c.565G>A (p.Gly189Ser)

Gene: IL23R (interleukin 23 receptor; plus strand). Cytogenetic location: 1p31.3.
Variant type: single nucleotide variant.
Coding change: c.565G>A on transcript NM_144701.3 (MANE Select); coding-DNA position 565, G replaced by A.
Protein change: p.Gly189Ser; replaces glycine 189 with serine.
Molecular consequence: missense variant.
Genome position (GRCh38, 1-based): chr1:67,200,810, G>A. VCF-style: chr1-67200810-G-A. GRCh37 (hg19) VCF-style: chr1-67666493-G-A.
Other names: short protein forms G189S.
Identifiers: ClinVar variation 3647012 (VCV003647012.2).
Genomic context (GRCh38, chr1:67,200,810, plus strand): 5'-GAAGAGCAACAGTATCTCACCTCAAGCTATATTAACATCTCCACTGATTCATTACAAGGT[G>A]GCAAGAAGTACTTGGTTTGGGTCCAAGCAGCAAACGCACTAGGCATGGAAGAGTCAAAAC-3'
Protein context (NP_653302.2, residues 179-199): INISTDSLQG[Gly189Ser]KKYLVWVQAA